The following is an entry in ClinVar:

NM_020822.3(KCNT1):c.3320G>A (p.Arg1107His)

Gene: KCNT1 (potassium sodium-activated channel subfamily T member 1; plus strand). Cytogenetic location: 9q34.3.
Variant type: single nucleotide variant.
Coding change: c.3320G>A on transcript NM_020822.3 (MANE Select); coding-DNA position 3320, G replaced by A.
Protein change: p.Arg1107His; replaces arginine 1107 with histidine.
Molecular consequence: missense variant.
Genome position (GRCh38, 1-based): chr9:135,786,339, G>A. VCF-style: chr9-135786339-G-A. GRCh37 (hg19) VCF-style: chr9-138678185-G-A.
Other names: c.3185G>A, p.Arg1062His (NM_001272003.2); short protein forms R1107H, R1062H.
Identifiers: ClinVar variation 590183 (VCV000590183.14), dbSNP rs756256138, ClinGen allele CA5327783.

ClinVar aggregate classification (germline): Likely benign. Review status: criteria provided, multiple submitters, no conflicts (2 of 4 stars). 3 submissions from 3 submitters: Likely benign (3). Last evaluated 2025-12-11.

Conditions:
Inborn genetic diseases. Identifiers: MedGen C0950123, MeSH D030342.
Autosomal dominant nocturnal frontal lobe epilepsy 5. Also called: Epilepsy, nocturnal frontal lobe, 5; CILIARY DYSKINESIA, PRIMARY, 28, WITHOUT SITUS INVERSUS; CILIARY DYSKINESIA, PRIMARY, 28, WITH SITUS INVERSUS; KCNT1-Related Epilepsy. Identifiers: Orphanet 98784, MedGen C3554306, MONDO:0014002, OMIM 615005.
Developmental and epileptic encephalopathy, 14 (DEE14). Also called: Early infantile epileptic encephalopathy 14. Identifiers: Orphanet 293181, MedGen C3554195, MONDO:0013989, OMIM 614959.

Allele frequency attached by ClinVar (database versions not stated): gnomAD 0.00002; TOPMed 0.00002.
gnomAD v4.1: 47 of 1,590,064 alleles (0.003%); highest among the groups gnomAD compares: Non-Finnish European, 0.0034%; no homozygotes.

Submissions (3):

Labcorp Genetics (formerly Invitae), Labcorp
Classification: Likely benign for Autosomal dominant nocturnal frontal lobe epilepsy 5; Developmental and epileptic encephalopathy, 14. Last evaluated: 2025-12-11. Review status: criteria provided, single submitter. Criteria: Invitae Variant Classification Sherloc (09022015). Collection method: clinical testing. Allele origin: germline.

GeneDx
Classification: Likely benign. Last evaluated: 2020-02-06. Review status: criteria provided, single submitter. Criteria: GeneDx Variant Classification Process June 2021. Collection method: clinical testing. Allele origin: germline. Affected: yes.
Comment: This variant is associated with the following publications: (PMID: 27029629)

Ambry Genetics
Classification: Likely benign for Inborn genetic diseases. Last evaluated: 2016-08-17. Review status: criteria provided, single submitter. Criteria: Ambry Variant Classification Scheme 2023. Collection method: clinical testing. Allele origin: germline.